The following is an entry in ClinVar:

ClinVar aggregate classification (germline): Likely pathogenic (1 of 4 stars; one submission).

Conditions:
Pitt-Hopkins syndrome (PTHS). Also called: ENCEPHALOPATHY, SEVERE EPILEPTIC, WITH AUTONOMIC DYSFUNCTION; MENTAL RETARDATION, SYNDROMAL, WITH INTERMITTENT HYPERVENTILATION. Identifiers: Orphanet 2896, MedGen C1970431, MONDO:0012589, OMIM 610954.

Submission:

Labcorp Genetics (formerly Invitae), Labcorp
Classification: Likely pathogenic for Pitt-Hopkins syndrome. Last evaluated: 2022-11-29. Review status: criteria provided, single submitter. Criteria: Invitae Variant Classification Sherloc (09022015). Collection method: clinical testing. Allele origin: germline.
Comment: Advanced modeling of protein sequence and biophysical properties (such as structural, functional, and spatial information, amino acid conservation, physicochemical variation, residue mobility, and thermodynamic stability) performed at Invitae indicates that this missense variant is expected to disrupt TCF4 protein function. In summary, the currently available evidence indicates that the variant is pathogenic, but additional data are needed to prove that conclusively. Therefore, this variant has been classified as Likely Pathogenic. This variant disrupts the p.Arg576 amino acid residue in TCF4. Other variant(s) that disrupt this residue have been determined to be pathogenic (PMID: 19235238, 22460224, 23033978). This suggests that this residue is clinically significant, and that variants that disrupt this residue are likely to be disease-causing. ClinVar contains an entry for this variant (Variation ID: 1470528). This variant has not been reported in the literature in individuals affected with TCF4-related conditions. This variant is not present in population databases (gnomAD no frequency). This sequence change replaces arginine, which is basic and polar, with leucine, which is neutral and non-polar, at codon 576 of the TCF4 protein (p.Arg576Leu).

Literature cited by the submitters: PubMed 19235238; PubMed 22460224; PubMed 23033978.

NM_001083962.2(TCF4):c.1727G>T (p.Arg576Leu)

Gene: TCF4 (transcription factor 4; minus strand). Cytogenetic location: 18q21.2.
Variant type: single nucleotide variant.
Coding change: c.1727G>T on transcript NM_001083962.2 (MANE Select); coding-DNA position 1727, G replaced by T.
Protein change: p.Arg576Leu; replaces arginine 576 with leucine.
Molecular consequence: missense variant.
Genome position (GRCh38, 1-based): chr18:55,228,999, C>A on the plus strand (G>T on the coding strand, the complement: TCF4 is on the minus strand). VCF-style: chr18-55228999-C-A. GRCh37 (hg19) VCF-style: chr18-52896230-C-A.
Other names: c.2033G>T, p.Arg678Leu (NM_001243226.3); c.1655G>T, p.Arg552Leu (NM_001243227.2, NM_001348217.1, NM_001348218.2 and 1 more transcripts); c.1745G>T, p.Arg582Leu (NM_001243228.2); c.1706G>T, p.Arg569Leu (NM_001243230.2); c.1589G>T, p.Arg530Leu (NM_001243231.2); c.1514G>T, p.Arg505Leu (NM_001243232.1); c.1325G>T, p.Arg442Leu (NM_001243233.2, NM_001348212.2); c.1247G>T, p.Arg416Leu (NM_001243234.2, NM_001348216.2); and 14 more; short protein forms R360L, R547L, R552L, R571L, R582L, R416L, R548L, R551L.
Identifiers: ClinVar variation 1470528 (VCV001470528.6), dbSNP rs1057521070, ClinGen allele CA402528922.